The following is an entry in ClinVar:

ClinVar aggregate classification (germline): Uncertain significance (1 of 4 stars; one submission).

Conditions:
Hereditary cancer-predisposing syndrome. Also called: Neoplastic Syndromes, Hereditary; Hereditary neoplastic syndrome; Tumor predisposition; Hereditary Cancer Syndrome. Identifiers: Orphanet 140162, MedGen C0027672, MeSH D009386, MONDO:0015356.

gnomAD v4.1: 3 of 1,606,054 alleles (0.00019%); highest among the groups gnomAD compares: Non-Finnish European, 0.00025%; no homozygotes.

Submission:

Ambry Genetics
Classification: Uncertain significance for Hereditary cancer-predisposing syndrome. Last evaluated: 2026-02-13. Review status: criteria provided, single submitter. Criteria: Ambry Variant Classification Scheme 2023. Collection method: clinical testing. Allele origin: germline.
Comment: The p.E656K variant (also known as c.1966G>A), located in coding exon 18 of the TSC2 gene, results from a G to A substitution at nucleotide position 1966. The glutamic acid at codon 656 is replaced by lysine, an amino acid with similar properties. This amino acid position is conserved. In addition, this alteration is predicted to be deleterious by in silico analysis. Based on the available evidence, the clinical significance of this variant remains unclear.

NM_000548.5(TSC2):c.1966G>A (p.Glu656Lys)

Gene: TSC2 (TSC complex subunit 2; plus strand). Cytogenetic location: 16p13.3.
Variant type: single nucleotide variant.
Coding change: c.1966G>A on transcript NM_000548.5 (MANE Select); coding-DNA position 1966, G replaced by A.
Protein change: p.Glu656Lys; replaces glutamic acid 656 with lysine.
Molecular consequence: missense variant. On other transcripts: non-coding transcript variant (5).
Genome position (GRCh38, 1-based): chr16:2,071,803, G>A. VCF-style: chr16-2071803-G-A. GRCh37 (hg19) VCF-style: chr16-2121804-G-A.
Other names: c.1855G>A, p.Glu619Lys (NM_001406678.1, NM_001318827.2, NM_001406670.1); c.1819G>A, p.Glu607Lys (NM_001406679.1, NM_001318829.2, NM_001406675.1 and 1 more transcripts); c.1366G>A, p.Glu456Lys (NM_001406680.1, NM_001406682.1, NM_001406683.1 and 6 more transcripts); c.1504G>A, p.Glu502Lys (NM_001406681.1); c.1966G>A, p.Glu656Lys (NM_001077183.3, NM_001114382.3, NM_001363528.2 and 6 more transcripts); c.1999G>A, p.Glu667Lys (NM_001318832.2); c.622G>A, p.Glu208Lys (NM_001406697.1, NM_001406689.1, NM_001406690.1 and 6 more transcripts); c.364G>A, p.Glu122Lys (NM_001406698.1); and 3 more; short protein forms E122K, E456K, E619K, E637K, E208K, E607K, E652K, E656K.
Identifiers: ClinVar variation 4823969 (VCV004823969.1).
Genomic context (GRCh38, chr16:2,071,803, plus strand): 5'-CTGCGGGGACTTGGCCTCAGCTGCTTCTCTTGCTTCTGCAGGGAGCCAGAGAGAGGCTCT[G>A]AGAAGAAGACCAGCGGCCCCCTTTCTCCTCCCACAGGGCCTCCTGGCCCGGCGCCTGCAG-3'
Protein context (NP_000539.2, residues 646-666): CDYMEPERGS[Glu656Lys]KKTSGPLSPP